The following is an entry in ClinVar:

NM_001458.5(FLNC):c.2713C>T (p.Gln905Ter)

Gene: FLNC (filamin C; plus strand). Cytogenetic location: 7q32.1.
Variant type: single nucleotide variant.
Coding change: c.2713C>T on transcript NM_001458.5 (MANE Select); coding-DNA position 2713, C replaced by T.
Protein change: p.Gln905Ter; replaces glutamine 905 with a stop codon.
Molecular consequence: nonsense.
Genome position (GRCh38, 1-based): chr7:128,843,479, C>T. VCF-style: chr7-128843479-C-T. GRCh37 (hg19) VCF-style: chr7-128483533-C-T.
Other names: c.2713C>T, p.Gln905Ter (NM_001127487.2); short protein forms Q905*.
Identifiers: ClinVar variation 4881279 (VCV004881279.2).

ClinVar aggregate classification (germline): Likely pathogenic (1 of 4 stars; one submission).

Conditions:
Primary dilated cardiomyopathy (DCM). Also called: Dilated Cardiomyopathy. Identifiers: Orphanet 217604, MedGen C0007193, MeSH D002311, MONDO:0005021, HP:0001644. Inheritance: Various modes of inheritance.

Submission:

Dasa
Classification: Likely pathogenic for dilated cardiomyopathy. Last evaluated: 2025-11-09. Review status: criteria provided, single submitter. Criteria: DASA Assertion Criteria. Collection method: clinical testing. Allele origin: germline.
Comment: NM_001458.5(FLNC):c.2713C>T (p.Gln905*) is a nonsense variant in FLNC predicted to introduce a premature termination codon and is predicted to result in an absent or altered protein product. Loss of function is an established disease mechanism for FLNC (PMID: 28008423; PMID: 27908349; PMID: 28436997). Also, this variant is absent from population databases. Based on the currently available evidence, this variant is classified as likely pathogenic.

Literature cited by the submitters: PubMed 28008423; PubMed 27908349; PubMed 28436997.